The following is an entry in ClinVar:

ClinVar aggregate classification (germline): Conflicting classifications of pathogenicity. Review status: criteria provided, conflicting classifications (1 of 4 stars). 3 submissions from 3 submitters: Likely pathogenic (1); Uncertain significance (2). Last evaluated 2023-10-27.

Conditions:
Primary hyperoxaluria type 3. Also called: PH III. Identifiers: Orphanet 416, Orphanet 93600, MedGen C3150878, MONDO:0013327, OMIM 613616. Disease mechanism: loss of function.

Allele frequency attached by ClinVar (database versions not stated): gnomAD exomes 0.00001; ExAC 0.00002; gnomAD 0.00003; ESP Exome Variant Server 0.00008; 1000 Genomes Project 0.00020; 1000 Genomes Project 30x 0.00031.
gnomAD v4.1: 16 of 1,613,940 alleles (0.00099%); highest among the groups gnomAD compares: East Asian, 0.0045%; no homozygotes.

Submissions (3):

Clinical Biochemistry Laboratory, Health Services Laboratory
Classification: Likely pathogenic for Primary hyperoxaluria type 3. Last evaluated: 2023-10-27. Review status: criteria provided, single submitter. Criteria: ACMG Guidelines, 2015. Collection method: clinical testing. Allele origin: germline. Affected: yes.
Comment: ACMG:PM1 PM2 PM3 PP3 PP4

Women's Health and Genetics/Laboratory Corporation of America, LabCorp
Classification: Uncertain significance. Last evaluated: 2023-08-07. Review status: criteria provided, single submitter. Criteria: LabCorp Variant Classification Summary - May 2015. Collection method: clinical testing. Allele origin: germline.
Comment: Variant summary: HOGA1 c.953G>A (p.Arg318His) results in a non-conservative amino acid change in the encoded protein sequence. Five of five in-silico tools predict a damaging effect of the variant on protein function. The variant allele was found at a frequency of 1.2e-05 in 250876 control chromosomes (gnomAD). c.953G>A has been reported in the literature as an identical compound heterozygous genotype in at-least two distinct individuals affected with Primary Hyperoxaluria, Type III (e.g. Williams_2015, Martin-Higueras_2021 cited in Bar_2021). These data indicate that the variant may be associated with disease. To our knowledge, no experimental evidence demonstrating an impact on protein function has been reported. The following publications have been ascertained in the context of this evaluation (PMID: 33350326, 33865885, 25629080). One ClinVar submitter has assessed the variant since 2014, and classified the variant as uncertain significance. Based on the evidence outlined above, the variant was classified as VUS-possibly pathogenic.

Fulgent Genetics
Classification: Uncertain significance for Primary hyperoxaluria type 3. Last evaluated: 2022-01-31. Review status: criteria provided, single submitter. Criteria: ACMG Guidelines, 2015. Collection method: clinical testing. Allele origin: unknown.

Literature cited by the submitters: PubMed 25629080 (cited by Clinical Biochemistry Laboratory, Health Services Laboratory and Women's Health and Genetics/Laboratory Corporation of America, LabCorp); PubMed 33350326 (cited by Women's Health and Genetics/Laboratory Corporation of America, LabCorp); PubMed 33865885 (cited by Women's Health and Genetics/Laboratory Corporation of America, LabCorp).

NM_138413.4(HOGA1):c.953G>A (p.Arg318His)

Gene: HOGA1 (4-hydroxy-2-oxoglutarate aldolase 1; plus strand). Cytogenetic location: 10q24.2.
Variant type: single nucleotide variant.
Coding change: c.953G>A on transcript NM_138413.4 (MANE Select); coding-DNA position 953, G replaced by A.
Protein change: p.Arg318His; replaces arginine 318 with histidine.
Molecular consequence: missense variant.
Genome position (GRCh38, 1-based): chr10:97,611,628, G>A. VCF-style: chr10-97611628-G-A. GRCh37 (hg19) VCF-style: chr10-99371385-G-A.
Other names: c.464G>A, p.Arg155His (NM_001134670.2); short protein forms R155H, R318H.
Identifiers: ClinVar variation 1696013 (VCV001696013.5), dbSNP rs201347931, ClinGen allele CA5634324.